The following is an entry in ClinVar:

ClinVar aggregate classification (germline): Benign. Review status: criteria provided, multiple submitters, no conflicts (2 of 4 stars). 2 submissions from 2 submitters: Benign (2). Last evaluated 2021-05-08.

Allele frequency attached by ClinVar (database versions not stated): gnomAD 0.33764 and 0.34105; TOPMed 0.34003; 1000 Genomes Project 30x 0.36102; 1000 Genomes Project 0.36122; gnomAD exomes 0.50000.

Submissions (2):

GeneDx
Classification: Benign. Last evaluated: 2021-05-08. Review status: criteria provided, single submitter. Criteria: GeneDx Variant Classification Process June 2021. Collection method: clinical testing. Allele origin: germline. Affected: yes.
Comment: This variant is associated with the following publications: (PMID: 31010439, 11940086, 25527331, 20595220, 14962947, 15935359, 15262183, 17510946)

Breakthrough Genomics
Classification: Benign. Review status: criteria provided, single submitter. Criteria: ACMG Guidelines, 2015. Collection method: not provided. Allele origin: germline. Inheritance: Autosomal recessive inheritance. Affected: yes.

NC_000009.12:g.104928169G>A

Genes: ABCA1 (ATP binding cassette subfamily A member 1; minus strand), LOC130002275 (ATAC-STARR-seq lymphoblastoid silent region 20147; plus strand), LOC105376196 (uncharacterized LOC105376196; plus strand). Cytogenetic location: 9q31.1.
Variant type: single nucleotide variant.
Genome position: GRCh38 VCF-style: chr9-104928169-G-A. GRCh37 (hg19) VCF-style: chr9-107690450-G-A.
Identifiers: ClinVar variation 364481 (VCV000364481.10), dbSNP rs1800977, ClinGen allele CA10632106.